The following is an entry in ClinVar:

NM_001267550.2(TTN):c.87878G>A (p.Arg29293His)

Genes: TTN (titin; minus strand), TTN-AS1 (TTN antisense RNA 1; plus strand). Cytogenetic location: 2q31.2.
Variant type: single nucleotide variant.
Coding change: c.87878G>A on transcript NM_001267550.2 (MANE Select); coding-DNA position 87878, G replaced by A.
Protein change: p.Arg29293His; replaces arginine 29293 with histidine.
Molecular consequence: missense variant.
Genome position (GRCh38, 1-based): chr2:178,557,384, C>T on the plus strand (G>A on the coding strand, the complement: TTN is on the minus strand). VCF-style: chr2-178557384-C-T. GRCh37 (hg19) VCF-style: chr2-179422111-C-T.
Other names: c.82955G>A, p.Arg27652His (NM_001256850.1); c.61058G>A, p.Arg20353His (NM_133432.3); c.61259G>A, p.Arg20420His (NM_133437.4); c.60683G>A, p.Arg20228His (NM_003319.4); c.80174G>A, p.Arg26725His (NM_133378.4); short protein forms R26725H, R29293H, R20228H, R20353H, R20420H, R27652H.
Identifiers: ClinVar variation 178177 (VCV000178177.23), dbSNP rs202001776, ClinGen allele CA181666.

ClinVar aggregate classification (germline): Conflicting classifications of pathogenicity. Review status: criteria provided, conflicting classifications (1 of 4 stars). 8 submissions from 8 submitters: Uncertain significance (6); Likely benign (2). Last evaluated 2026-07-09.

Conditions:
TTN-related disorder. Also called: TTN-related condition; TTN-related disease; TTN-related disorders.
Cardiovascular phenotype. Identifiers: MedGen CN230736.
Dilated cardiomyopathy 1G (CMD1G). Identifiers: Orphanet 154, MedGen C1858763, MONDO:0011400, OMIM 604145.
Autosomal recessive limb-girdle muscular dystrophy type 2J (LGMDR10). Also called: Limb-girdle muscular dystrophy, type 2J; MUSCULAR DYSTROPHY, LIMB-GIRDLE, AUTOSOMAL RECESSIVE 10. Identifiers: Orphanet 140922, MedGen C1837342, MONDO:0012127, OMIM 608807.

Allele frequency attached by ClinVar (database versions not stated): gnomAD exomes 0.00003 and 0.00005; ExAC 0.00006; TOPMed 0.00014; ESP Exome Variant Server 0.00016; gnomAD 0.00016.
gnomAD v4.1: 63 of 1,613,796 alleles (0.0039%); highest among the groups gnomAD compares: African/African-American, 0.036%; 1 homozygote.

Submissions (8):

PreventionGenetics, part of Exact Sciences
Classification: Uncertain significance for TTN-related condition. Last evaluated: 2026-07-09. Review status: criteria provided, single submitter. Criteria: ACMG Guidelines, 2015. Collection method: clinical testing. Allele origin: germline.
Comment: The TTN c.87878G>A variant is predicted to result in the amino acid substitution p.Arg29293His. This variant has been reported in a case of sudden unexplained death, although detailed clinical information was not available (described as p.Arg26725His in Table S1, Campuzano et al. 2015. PubMed ID: 26516846). This variant is reported in 0.050% of alleles in individuals of African descent in gnomAD, including 1 homozygote in the database. Although we suspect that this variant may be benign, the clinical significance of this variant is classified as uncertain at this time due to insufficient functional and genetic evidence.

Women's Health and Genetics/Laboratory Corporation of America, LabCorp
Classification: Uncertain significance. Last evaluated: 2020-10-26. Review status: criteria provided, single submitter. Criteria: LabCorp Variant Classification Summary - May 2015. Collection method: clinical testing. Allele origin: germline.
Comment: Variant summary: TTN c.80174G>A (p.Arg26725His) results in a non-conservative amino acid change in the encoded protein sequence. Three of four in-silico tools predict a damaging effect of the variant on protein function. The variant allele was found at a frequency of 5.2e-05 in 248862 control chromosomes in the gnomAD database, including 1 homozygotes. This frequency is not significantly higher than expected for a pathogenic variant in TTN causing Dilated Cardiomyopathy (5.2e-05 vs 0.00039), allowing no conclusion about variant significance. c.80174G>A has been reported in the literature in one individual affected with sudden death (Campuzano_2015). This report does not provide unequivocal conclusions about association of the variant with Dilated Cardiomyopathy. To our knowledge, no experimental evidence demonstrating an impact on protein function has been reported. Three clinical diagnostic laboratories have submitted clinical-significance assessments for this variant to ClinVar after 2014 without evidence for independent evaluation. All laboratories classified the variant as uncertain significance. Based on the evidence outlined above, the variant was classified as uncertain significance.

Revvity Omics, Revvity
Classification: Uncertain significance. Last evaluated: 2020-09-30. Review status: criteria provided, single submitter. Criteria: ACMG Guidelines, 2015. Collection method: clinical testing. Allele origin: germline.

Ambry Genetics
Classification: Likely benign for Cardiovascular phenotype. Last evaluated: 2020-09-11. Review status: criteria provided, single submitter. Criteria: Ambry Variant Classification Scheme 2023. Collection method: clinical testing. Allele origin: germline.

GeneDx
Classification: Likely benign. Last evaluated: 2018-08-23. Review status: criteria provided, single submitter. Criteria: GeneDx Variant Classification Process June 2021. Collection method: clinical testing. Allele origin: germline. Affected: yes.
Comment: This variant is associated with the following publications: (PMID: 24503780)

Eurofins Ntd Llc (ga)
Classification: Uncertain significance. Last evaluated: 2018-03-27. Review status: criteria provided, single submitter. Criteria: EGL ClinVar v180209 classification definitions. Collection method: clinical testing. Allele origin: germline. Observed: 4 variant alleles, 4 heterozygotes.

Labcorp Genetics (formerly Invitae), Labcorp
Classification: Uncertain significance for Dilated cardiomyopathy 1G; Autosomal recessive limb-girdle muscular dystrophy type 2J. Last evaluated: 2017-12-08. Review status: criteria provided, single submitter. Criteria: Invitae Variant Classification Sherloc (09022015). Collection method: clinical testing. Allele origin: germline.

Laboratory for Molecular Medicine, Mass General Brigham Personalized Medicine
Classification: Uncertain significance. Last evaluated: 2013-12-06. Review status: criteria provided, single submitter. Criteria: LMM Criteria. Collection method: clinical testing. Allele origin: germline. Observed: 2 variant alleles.
Comment: The Arg26725His variant in TTN has not been reported in individuals with cardiom yopathy but has been identified in 2/3934 African American chromosomes by the NH LBI Exome Sequencing Project (dbSNP rs2020017 76). Computational analyses (biochemical amino acid properties, conservation, Al ignGVGD, PolyPhen2, and SIFT) do not provide strong support for or against an im pact to the protein. Additional information is needed to fully assess the clinic al significance of the Arg26725His variant.

Literature cited by the submitters: PubMed 26516846 (cited by Women's Health and Genetics/Laboratory Corporation of America, LabCorp); PubMed 24503780 (cited by Ambry Genetics).